The following is an entry in ClinVar:

ClinVar aggregate classification (germline): Uncertain significance (1 of 4 stars; one submission).

Conditions:
Malignant hyperthermia, susceptibility to, 1 (MHS1). Also called: Anesthesia related hyperthermia; Malignant hyperpyrexia; Fulminating hyperpyrexia; Pharmacogenic myopathy; RYR1-Related Malignant Hyperthermia Susceptibility; Malignant hyperthermia suceptibility 1. Identifiers: Orphanet 423, MedGen C2930980, MONDO:0007783, OMIM 145600.

Submission:

All of Us Research Program, National Institutes of Health
Classification: Uncertain significance for Malignant hyperthermia, susceptibility to, 1. Last evaluated: 2023-11-20. Review status: criteria provided, single submitter. Criteria: ACMG Guidelines, 2015. Collection method: clinical testing. Allele origin: germline. Inheritance: Autosomal dominant inheritance. Observed: 1 variant allele, 1 heterozygote.
Comment: This missense variant replaces valine with alanine at codon 19 of the RYR1 protein. Computational prediction suggests that this variant may have uncertain impact on protein structure and function. This variant occurs in the N-terminal region (a.a. 1 - 552) of the RYR1 protein that is considered to be a hotspot for pathogenic variants that contribute to malignant hyperthermia susceptibility (PMID: 21118704). To our knowledge, functional studies have not been reported for this variant. This variant has not been reported in individuals affected with RYR1-related disorders in the literature. This variant has not been identified in the general population by the Genome Aggregation Database (gnomAD). The available evidence is insufficient to determine the role of this variant in disease conclusively. Therefore, this variant is classified as a Variant of Uncertain Significance.

This study involves interpretation of variants in research participants for the purpose of population health screening. Participant phenotype was not available at the time of variant classification. Additional details can be found in publication PMID: 35346344, PMCID: PMC8962531

Literature cited by the submitters: PubMed 21118704.

NM_000540.3(RYR1):c.56T>C (p.Val19Ala)

Gene: RYR1 (ryanodine receptor 1; plus strand). Cytogenetic location: 19q13.2.
Variant type: single nucleotide variant.
Coding change: c.56T>C on transcript NM_000540.3 (MANE Select); coding-DNA position 56, T replaced by C.
Protein change: p.Val19Ala; replaces valine 19 with alanine.
Molecular consequence: missense variant.
Genome position (GRCh38, 1-based): chr19:38,440,755, T>C. VCF-style: chr19-38440755-T-C. GRCh37 (hg19) VCF-style: chr19-38931395-T-C.
Other names: c.56T>C, p.Val19Ala (NM_001042723.2); short protein forms V19A.
Identifiers: ClinVar variation 3074459 (VCV003074459.1), dbSNP rs2513956289, ClinGen allele CA405671404.